The following is an entry in ClinVar:

ClinVar aggregate classification (germline): Conflicting classifications of pathogenicity. Review status: criteria provided, conflicting classifications (1 of 4 stars). 12 submissions from 12 submitters: Uncertain significance (7); Benign (1); Likely benign (3). 1 of the submissions does not count toward it. Last evaluated 2026-08-08.

Conditions:
Cardiovascular phenotype. Identifiers: MedGen CN230736.
Arrhythmogenic right ventricular cardiomyopathy (ARVD). Also called: Cardiomyopathy, ARVC; Arrhythmogenic right ventricular dysplasia; Arrhythmogenic Right Ventricular Cardiomyopathy (ARVC); Arrhythmogenic cardiomyopathy. Identifiers: Orphanet 247, MedGen C0349788, MeSH D019571, MONDO:0016587. Disease mechanism: loss of function. Inheritance: Various modes of inheritance.
Cardiomyopathy (CMYO). Also called: Cardiomyopathies. Identifiers: Orphanet 167848, MedGen C0878544, MONDO:0004994, HP:0001638. Inheritance: Various modes of inheritance.
Arrhythmogenic right ventricular dysplasia 9 (ARVD9). Also called: Arrhythmogenic Right Ventricular Dysplasia/Cardiomyopathy 9; ARRHYTHMOGENIC RIGHT VENTRICULAR DYSPLASIA, FAMILIAL, 9. Identifiers: MedGen C1836906, MONDO:0012180, OMIM 609040.
PKP2-related disorder. Also called: PKP2-related condition.

Allele frequency attached by ClinVar (database versions not stated): ESP Exome Variant Server 0.00031; ExAC 0.00012; gnomAD 0.00014 and 0.00016; TOPMed 0.00016.

Submissions (12):

Ambry Genetics
Classification: Likely benign for Cardiovascular phenotype. Last evaluated: 2026-08-08. Review status: criteria provided, single submitter. Criteria: Ambry Variant Classification Scheme 2023. Collection method: clinical testing. Allele origin: germline.

Labcorp Genetics (formerly Invitae), Labcorp
Classification: Uncertain significance for Arrhythmogenic right ventricular dysplasia 9. Last evaluated: 2025-12-21. Review status: criteria provided, single submitter. Criteria: Invitae Variant Classification Sherloc (09022015). Collection method: clinical testing. Allele origin: germline.
Comment: This sequence change replaces proline, which is neutral and non-polar, with threonine, which is neutral and polar, at codon 103 of the PKP2 protein (p.Pro103Thr). This variant is present in population databases (rs139215336, gnomAD 0.02%). This missense change has been observed in individual(s) with arrhythmogenic cardiomyopathy and hypertrophic cardiomyopathy (PMID: 24704780, 25351510). ClinVar contains an entry for this variant (Variation ID: 379132). An algorithm developed to predict the effect of missense changes on protein structure and function (PolyPhen-2) suggests that this variant is likely to be tolerated. In summary, the available evidence is currently insufficient to determine the role of this variant in disease. Therefore, it has been classified as a Variant of Uncertain Significance.

Mayo Clinic Laboratories, Mayo Clinic
Classification: Uncertain significance. Last evaluated: 2025-09-29. Review status: criteria provided, single submitter. Criteria: ACMG Guidelines, 2015. Collection method: clinical testing. Allele origin: germline. Observed: 1 variant allele.
Comment: BP4

Color Diagnostics, LLC DBA Color Health
Classification: Likely benign for Cardiomyopathy. Last evaluated: 2024-12-16. Review status: criteria provided, single submitter. Criteria: ACMG Guidelines, 2015. Collection method: clinical testing. Allele origin: germline.

All of Us Research Program, National Institutes of Health
Classification: Uncertain significance for Arrhythmogenic right ventricular cardiomyopathy. Last evaluated: 2024-09-23. Review status: criteria provided, single submitter. Criteria: ACMG Guidelines, 2015. Collection method: clinical testing. Allele origin: germline. Inheritance: Autosomal dominant inheritance. Observed: 52 variant alleles, 52 heterozygotes.
Comment: This missense variant replaces proline with threonine at codon 103 of the PKP2 protein. Computational prediction suggests that this variant may not impact protein structure and function (internally defined REVEL score threshold <= 0.5, PMID: 27666373). To our knowledge, functional studies have not been reported for this variant. This variant has been reported in an individual affected with arrhythmogenic cardiomyopathy (PMID: 24704780) and in an individual affected with hypertrophic cardiomyopathy (PMID: 25351510). This variant has also been identified in 37/282822 chromosomes in the general population by the Genome Aggregation Database (gnomAD). The available evidence is insufficient to determine the role of this variant in disease conclusively. Therefore, this variant is classified as a Variant of Uncertain Significance.

This study involves interpretation of variants in research participants for the purpose of population health screening. Participant phenotype was not available at the time of variant classification. Additional details can be found in publication PMID: 35346344, PMCID: PMC8962531

Blueprint Genetics
Classification: Likely benign. Last evaluated: 2024-08-19. Review status: criteria provided, single submitter. Criteria: ACMG Guidelines, 2015. Collection method: clinical testing. Allele origin: germline.

GeneDx
Classification: Uncertain significance. Last evaluated: 2024-03-29. Review status: criteria provided, single submitter. Criteria: GeneDx Variant Classification Process June 2021. Collection method: clinical testing. Allele origin: germline. Affected: yes.
Comment: In silico analysis supports that this missense variant does not alter protein structure/function; This variant is associated with the following publications: (PMID: 24704780, 25351510, 27532257)

CHEO Genetics Diagnostic Laboratory, Children's Hospital of Eastern Ontario
Classification: Benign for Cardiomyopathy. Last evaluated: 2023-03-02. Review status: criteria provided, single submitter. Criteria: ACMG Guidelines, 2015. Collection method: clinical testing. Allele origin: germline. Study: Canadian Open Genetics Repository.

Fulgent Genetics
Classification: Uncertain significance for Arrhythmogenic right ventricular dysplasia 9. Last evaluated: 2022-02-03. Review status: criteria provided, single submitter. Criteria: ACMG Guidelines, 2015. Collection method: clinical testing. Allele origin: unknown.

Illumina Laboratory Services, Illumina
Classification: Uncertain significance for Arrhythmogenic right ventricular dysplasia 9. Last evaluated: 2019-06-19. Review status: criteria provided, single submitter. Criteria: ICSL Variant Classification Criteria 13 December 2019. Collection method: clinical testing. Allele origin: germline.
Comment: This variant was observed as part of a predisposition screen in an ostensibly healthy population. A literature search was performed for the gene, cDNA change, and amino acid change (where applicable). Publications were found based on this search. However, the evidence from the literature, in combination with allele frequency data from public databases where available, was not sufficient to rule this variant in or out of causing disease. Therefore, this variant is classified as a variant of unknown significance.

Eurofins Ntd Llc (ga)
Classification: Uncertain significance. Last evaluated: 2017-04-14. Review status: criteria provided, single submitter. Criteria: EGL Classification Definitions 2015. Collection method: clinical testing. Allele origin: germline.

PreventionGenetics, part of Exact Sciences
Classification: Uncertain significance for PKP2-related condition. Last evaluated: 2024-06-18. Review status: no assertion criteria provided. Collection method: clinical testing. Allele origin: germline. Not counted in ClinVar's aggregate classification.
Comment: The PKP2 c.307C>A variant is predicted to result in the amino acid substitution p.Pro103Thr. This variant was reported in an individual with arrhythmogenic cardiomyopathy, although that patient also carried a missense variant in the DSC2 gene (Rasmussen et al. 2014. PubMed ID: 24704780). Additionally, this variant was reported in an individual with hypertrophic cardiomyopathy (Lopes et al. 2014. PubMed ID: 25351510). This variant is reported in 0.024% of alleles in individuals of European (Non-Finnish) descent in gnomAD. At this time, the clinical significance of this variant is uncertain due to the absence of conclusive functional and genetic evidence.

Literature cited by the submitters: PubMed 24704780 (cited by 4 submitters); PubMed 25351510 (cited by Labcorp Genetics (formerly Invitae), Labcorp and All of Us Research Program, National Institutes of Health).

NM_001005242.3(PKP2):c.307C>A (p.Pro103Thr)

Gene: PKP2 (plakophilin 2; minus strand). Cytogenetic location: 12p11.21.
Variant type: single nucleotide variant.
Coding change: c.307C>A on transcript NM_001005242.3 (MANE Select); coding-DNA position 307, C replaced by A.
Protein change: p.Pro103Thr; replaces proline 103 with threonine.
Molecular consequence: missense variant.
Genome position (GRCh38, 1-based): chr12:32,878,949, G>T on the plus strand (C>A on the coding strand, the complement: PKP2 is on the minus strand). VCF-style: chr12-32878949-G-T. GRCh37 (hg19) VCF-style: chr12-33031883-G-T.
Other names: p.Pro103Thr; c.307C>A, p.Pro103Thr (NM_004572.4); short protein forms P103T.
Identifiers: ClinVar variation 379132 (VCV000379132.38), dbSNP rs139215336, ClinGen allele CA036575.